The following is an entry in ClinVar:

ClinVar aggregate classification (germline): Uncertain significance (1 of 4 stars; one submission).

gnomAD v4.1: 49 of 1,609,134 alleles (0.003%); highest among the groups gnomAD compares: South Asian, 0.0055%; no homozygotes.

Submission:

Ambry Genetics
Classification: Uncertain significance. Last evaluated: 2024-11-21. Review status: criteria provided, single submitter. Criteria: Ambry Variant Classification Scheme 2023. Collection method: clinical testing. Allele origin: germline.
Comment: The p.P1858R variant (also known as c.5573C>G), located in coding exon 22 of the WNK2 gene, results from a C to G substitution at nucleotide position 5573. The proline at codon 1858 is replaced by arginine, an amino acid with dissimilar properties. This amino acid position is conserved. In addition, the in silico prediction for this alteration is inconclusive. Based on the available evidence, the clinical significance of this variant remains unclear.

NM_006648.4(WNK2):c.5573C>G (p.Pro1858Arg)

Gene: WNK2 (WNK lysine deficient protein kinase 2; plus strand). Cytogenetic location: 9q22.31.
Variant type: single nucleotide variant.
Coding change: c.5573C>G on transcript NM_006648.4 (MANE Select); coding-DNA position 5573, C replaced by G.
Protein change: p.Pro1858Arg; replaces proline 1858 with arginine.
Molecular consequence: missense variant.
Genome position (GRCh38, 1-based): chr9:93,293,038, C>G. VCF-style: chr9-93293038-C-G. GRCh37 (hg19) VCF-style: chr9-96055320-C-G.
Other names: c.5684C>G, p.Pro1895Arg (NM_001282394.3); short protein forms P1895R, P1858R.
Identifiers: ClinVar variation 3470234 (VCV003470234.1).